The following is an entry in ClinVar:

ClinVar aggregate classification (germline): Likely benign. Review status: criteria provided, multiple submitters, no conflicts (2 of 4 stars). 2 submissions from 2 submitters: Likely benign (2). Last evaluated 2026-05-01.

Allele frequency attached by ClinVar (database versions not stated): gnomAD 0.00001 and 0.00005; TOPMed 0.00002; ExAC 0.00023; 1000 Genomes Project 30x 0.00062; 1000 Genomes Project 0.00080.
gnomAD v4.1: 149 of 1,605,828 alleles (0.0093%); highest among the groups gnomAD compares: South Asian, 0.13%; 2 homozygotes.

Submissions (2):

CeGaT Center for Human Genetics Tuebingen
Classification: Likely benign. Last evaluated: 2026-05-01. Review status: criteria provided, single submitter. Criteria: CeGaT Center For Human Genetics Tuebingen Variant Classification Criteria Version 2. Collection method: clinical testing. Allele origin: germline. Affected: yes. Observed: 1 variant allele.
Comment: DOT1L: BP4, BP7

Labcorp Genetics (formerly Invitae), Labcorp
Classification: Likely benign. Last evaluated: 2018-12-31. Review status: criteria provided, single submitter. Criteria: Invitae Variant Classification Sherloc (09022015). Collection method: clinical testing. Allele origin: germline.

NM_032482.3(DOT1L):c.2274G>A (p.Pro758=)

Gene: DOT1L (DOT1 like histone lysine methyltransferase; plus strand). Cytogenetic location: 19p13.3.
Variant type: single nucleotide variant.
Coding change: c.2274G>A on transcript NM_032482.3 (MANE Select); coding-DNA position 2274, G replaced by A.
Protein change: p.Pro758=; no amino-acid change (proline 758 retained).
Molecular consequence: synonymous variant.
Genome position (GRCh38, 1-based): chr19:2,216,631, G>A. VCF-style: chr19-2216631-G-A. GRCh37 (hg19) VCF-style: chr19-2216630-G-A.
Identifiers: ClinVar variation 795915 (VCV000795915.5), dbSNP rs554988360, ClinGen allele CA9060822.